The following is an entry in ClinVar:

NM_003542.4(H4C3):c.294_295dup (p.Tyr99fs)

Gene: H4C3 (H4 clustered histone 3; plus strand). Cytogenetic location: 6p22.2.
Variant type: Duplication.
Coding change: c.294_295dup on transcript NM_003542.4 (MANE Select); coding-DNA positions 294 to 295, 2 bases duplicated (GT; older notation c.294_295dupGT).
Protein change: p.Tyr99fs; shifts the reading frame from tyrosine 99.
Molecular consequence: frameshift variant.
Genome position (GRCh38, 1-based): chr6:26,104,241-26,104,242, GT duplicated; duplicating any 2 consecutive bases within chr6:26,104,240-26,104,242 gives the same sequence; the c. name uses the placement nearest the transcript's 3' end. VCF-style (leftmost placement, unchanged base first): chr6-26104239-C-CTG. GRCh37 (hg19) VCF-style: chr6-26104467-C-CTG.
Other names: short protein forms Y99fs.
Identifiers: ClinVar variation 2656297 (VCV002656297.24), dbSNP rs765041516, ClinGen allele CA823451224.

ClinVar aggregate classification (germline): Uncertain significance (1 of 4 stars; one submission).

Submission:

CeGaT Center for Human Genetics Tuebingen
Classification: Uncertain significance. Last evaluated: 2023-09-01. Review status: criteria provided, single submitter. Criteria: CeGaT Center For Human Genetics Tuebingen Variant Classification Criteria Version 2. Collection method: clinical testing. Allele origin: germline. Affected: yes. Observed: 1 variant allele.
Comment: H4C3: PM2, PM4